The following is an entry in ClinVar:

NM_000518.5(HBB):c.170G>A (p.Gly57Asp)

Genes: HBB (hemoglobin subunit beta; minus strand), LOC106099062 (HBB recombination region; plus strand), LOC107133510 (origin of replication at HBB; plus strand). Cytogenetic location: 11p15.4.
Variant type: single nucleotide variant.
Coding change: c.170G>A on transcript NM_000518.5 (MANE Select); coding-DNA position 170, G replaced by A.
Protein change: p.Gly57Asp; replaces glycine 57 with aspartic acid.
Molecular consequence: missense variant.
Genome position (GRCh38, 1-based): chr11:5,226,722, C>T on the plus strand (G>A on the coding strand, the complement: HBB is on the minus strand). VCF-style: chr11-5226722-C-T. GRCh37 (hg19) VCF-style: chr11-5247952-C-T.
Other names: G56D; Hb J-Bangkok; Hb J-Korat; Hb J-Manado; Hb J-Meinung; short protein forms G57D.
Identifiers: ClinVar variation 15214 (VCV000015214.18), dbSNP rs34439278, ClinGen allele CA124937.
Genomic context (GRCh38, chr11:5,226,722, plus strand): 5'-GCCAGGCCATCACTAAAGGCACCGAGCACTTTCTTGCCATGAGCCTTCACCTTAGGGTTG[C>T]CCATAACAGCATCAGGAGTGGACAGATCCCCAAAGGACTCAAAGAACCTCTGGGTCCAAG-3'
Protein context (NP_000509.1, residues 47-67): GDLSTPDAVM[Gly57Asp]NPKVKAHGKK

ClinVar aggregate classification (germline): Conflicting classifications of pathogenicity. Review status: criteria provided, conflicting classifications (1 of 4 stars). 5 submissions from 5 submitters: Uncertain significance (3); Likely benign (1). 1 of the submissions does not count toward it. Last evaluated 2026-05-22.

Allele frequency attached by ClinVar (database versions not stated): gnomAD exomes below 0.00001 and 0.00002.

Submissions (5):

Women's Health and Genetics/Laboratory Corporation of America, LabCorp
Classification: Uncertain significance. Last evaluated: 2026-05-22. Review status: criteria provided, single submitter. Criteria: LabCorp Variant Classification Summary - May 2015. Collection method: clinical testing. Allele origin: germline.
Comment: Variant summary: HBB c.170G>A (p.Gly57Asp) results in a non-conservative amino acid change in the encoded protein sequence. Four of five in-silico tools predict a damaging effect of the variant on protein function. The variant allele was found at a frequency of 2e-05 in 251448 control chromosomes (gnomAD). The available data on variant occurrences in the general population are insufficient to allow any conclusion about variant significance. c.170G>A was identified in the literature in heterozygous carriers who were clinically normal (e.g. Blackwell_1966, Pootrakul_1967). It has also been reported in the compound heterozygous state with pathogenic variants in individuals with some features of Beta Thalassemia as well as in clinically normal indivduals (e.g. Honig_1982, Chang_2002, Fucharoen_2001, 2005, Zhang_2017). These reports do not provide unequivocal conclusions about association of the variant with Beta Thalassemia. To our knowledge, no experimental evidence demonstrating an impact on protein function has been reported. The following publications have been ascertained in the context of this evaluation (PMID: 12403500, 6252122, 6025242, 5967288, 19631632, 19460936, 20838957, 6859036, 5970505, 5415584, 21599435, 7216820, 15938724, 11422410, 4421749, 7161111, 28407371). ClinVar contains an entry for this variant (Variation ID: 15214). Based on the evidence outlined above, the variant was classified as uncertain significance.

Quest Diagnostics Nichols Institute San Juan Capistrano
Classification: Uncertain significance. Last evaluated: 2025-06-11. Review status: criteria provided, single submitter. Criteria: Quest Diagnostics criteria. Collection method: clinical testing. Allele origin: unknown.
Comment: The HBB c.170G>A (p.Gly57Asp) variant has been reported in the published literature to have normal stability and oxygen affinity (PMID: 7216820 (1981)), with normal clinical presentation in heterozygotes (PMIDs: 7216820 (1981), 6025242 (1967)). Compound heterozygous individuals carrying this variant and a beta+ thalassemia variant on the other allele presented as beta-thalassemia trait, suggesting this variant did not aggravate the phenotype (PMIDs: 28407371 (2016), 23568723 (2013), 12403500 (2002), 1428942 (1992)). The frequency of this variant in the general population (Genome Aggregation Database) is uninformative in the assessment of its pathogenicity. Analysis of this variant using bioinformatics tools for the prediction of the effect of amino acid changes on protein structure and function yielded predictions that this variant is damaging. Based on the available information, we are unable to determine the clinical significance of this variant.

Revvity Omics, Revvity
Classification: Uncertain significance. Last evaluated: 2024-12-13. Review status: criteria provided, single submitter. Criteria: ACMG Guidelines, 2015. Collection method: clinical testing. Allele origin: germline.

ARUP Laboratories, Molecular Genetics and Genomics, ARUP Laboratories
Classification: Likely benign. Last evaluated: 2023-12-06. Review status: criteria provided, single submitter. Criteria: ARUP Molecular Germline Variant Investigation Process 2024. Collection method: clinical testing. Allele origin: germline.
Comment: The Hb J-Bangkok variant (HBB: c.170G>A; p.Gly57Asp, also known as Gly56Asp when numbered from the mature protein, rs34439278, HbVar ID: 342), also known as Hb J-Meinung, is the most common stable variant found in Taiwanese individuals and has been reported in the heterozygous state in asymptomatic individuals with normal hematological parameters (Zhao 2013, HbVar and references therein). In individuals carrying a beta-+/0 variant, Hb J-Bangkok is not associated with more severe symptoms or hematology than those with the beta-+/0 variant alone (Chang 2002, Zhao 2013). The Hb J-Bangkok variant is reported in ClinVar (Variation ID: 15214) and is observed in the East Asian population at an overall frequency of 0.03% (5/19946 alleles) in the Genome Aggregation Database. The glycine at codon 56 is moderately conserved, computational analyses but are uncertain whether this variant is neutral or deleterious (REVEL: 0.636). Based on available information, this variant is considered likely benign. References: Link to HbVar: Chang J et al. Hb G-Honolulu (alpha30(B11)Glu-->Gln (alpha2)), Hb J-Meinung (beta56(D7)Gly-->Asp), and beta-thalassemia (codons 41/42 (-TCTT)) in a Taiwanese family. Hemoglobin. 2002 Aug;26(3):325-8. PMID: 12403500. Zhao Y et al. Analysis of clinical phenotypes of compound heterozygotes of Hb J-Bangkok and ÃŸ-thalassemia. Zhonghua Yi Xue Yi Chuan Xue Za Zhi. 2013 Apr;30(2):148-51. PMID: 23568723.

OMIM
Classification: Benign for HEMOGLOBIN J (BANGKOK). Last evaluated: 2017-12-12. Review status: no assertion criteria provided. Collection method: literature only. Allele origin: germline. Not counted in ClinVar's aggregate classification.

Literature cited by the submitters: PubMed 12403500 (cited by Women's Health and Genetics/Laboratory Corporation of America, LabCorp and Quest Diagnostics Nichols Institute San Juan Capistrano); PubMed 6252122 (cited by Women's Health and Genetics/Laboratory Corporation of America, LabCorp); PubMed 6025242 (cited by 3 submitters); PubMed 5967288 (cited by 3 submitters); PubMed 19631632 (cited by Women's Health and Genetics/Laboratory Corporation of America, LabCorp); PubMed 19460936 (cited by Women's Health and Genetics/Laboratory Corporation of America, LabCorp); PubMed 20838957 (cited by Women's Health and Genetics/Laboratory Corporation of America, LabCorp); PubMed 6859036 (cited by Women's Health and Genetics/Laboratory Corporation of America, LabCorp); PubMed 5970505 (cited by Women's Health and Genetics/Laboratory Corporation of America, LabCorp); PubMed 5415584 (cited by Women's Health and Genetics/Laboratory Corporation of America, LabCorp and Quest Diagnostics Nichols Institute San Juan Capistrano); PubMed 21599435 (cited by Women's Health and Genetics/Laboratory Corporation of America, LabCorp); PubMed 7216820 (cited by 3 submitters); PubMed 15938724 (cited by Women's Health and Genetics/Laboratory Corporation of America, LabCorp); PubMed 11422410 (cited by Women's Health and Genetics/Laboratory Corporation of America, LabCorp); PubMed 4421749 (cited by Women's Health and Genetics/Laboratory Corporation of America, LabCorp); PubMed 7161111 (cited by Women's Health and Genetics/Laboratory Corporation of America, LabCorp); PubMed 28407371 (cited by Women's Health and Genetics/Laboratory Corporation of America, LabCorp and Quest Diagnostics Nichols Institute San Juan Capistrano); PubMed 1428942 (cited by Quest Diagnostics Nichols Institute San Juan Capistrano); PubMed 19429541 (cited by Quest Diagnostics Nichols Institute San Juan Capistrano); PubMed 23568723 (cited by Quest Diagnostics Nichols Institute San Juan Capistrano); PubMed 28361593 (cited by Quest Diagnostics Nichols Institute San Juan Capistrano); PubMed 5553980 (cited by OMIM); PubMed 5658717 (cited by OMIM).